The following is an entry in ClinVar:

NM_206933.4(USH2A):c.12522C>G (p.Ser4174Arg)

Gene: USH2A (usherin; minus strand). Cytogenetic location: 1q41.
Variant type: single nucleotide variant.
Coding change: c.12522C>G on transcript NM_206933.4 (MANE Select); coding-DNA position 12522, C replaced by G.
Protein change: p.Ser4174Arg; replaces serine 4174 with arginine.
Molecular consequence: missense variant.
Genome position (GRCh38, 1-based): chr1:215,675,389, G>C on the plus strand (C>G on the coding strand, the complement: USH2A is on the minus strand). VCF-style: chr1-215675389-G-C. GRCh37 (hg19) VCF-style: chr1-215848731-G-C.
Other names: short protein forms S4174R.
Identifiers: ClinVar variation 2150268 (VCV002150268.2), dbSNP rs754560357, ClinGen allele CA1393453.

ClinVar aggregate classification (germline): Uncertain significance. Review status: criteria provided, multiple submitters, no conflicts (2 of 4 stars). 2 submissions from 2 submitters: Uncertain significance (2). Last evaluated 2023-09-04.

Allele frequency attached by ClinVar (database versions not stated): gnomAD exomes below 0.00001; ExAC 0.00001; gnomAD 0.00001; TOPMed 0.00002.
gnomAD v4.1: 3 of 1,614,022 alleles (0.00019%); highest among the groups gnomAD compares: African/African-American, 0.0027%; no homozygotes.

Submissions (2):

Blueprint Genetics
Classification: Uncertain significance. Last evaluated: 2023-09-04. Review status: criteria provided, single submitter. Criteria: ACMG Guidelines, 2015. Collection method: clinical testing. Allele origin: germline.

Labcorp Genetics (formerly Invitae), Labcorp
Classification: Uncertain significance. Last evaluated: 2022-03-11. Review status: criteria provided, single submitter. Criteria: Invitae Variant Classification Sherloc (09022015). Collection method: clinical testing. Allele origin: germline.
Comment: This sequence change replaces serine, which is neutral and polar, with arginine, which is basic and polar, at codon 4174 of the USH2A protein (p.Ser4174Arg). This variant is not present in population databases (gnomAD no frequency). This variant has not been reported in the literature in individuals affected with USH2A-related conditions. Algorithms developed to predict the effect of missense changes on protein structure and function output the following: SIFT: "Tolerated"; PolyPhen-2: "Benign"; Align-GVGD: "Class C0". The arginine amino acid residue is found in multiple mammalian species, which suggests that this missense change does not adversely affect protein function. In summary, the available evidence is currently insufficient to determine the role of this variant in disease. Therefore, it has been classified as a Variant of Uncertain Significance.